The following is an entry in ClinVar:

ClinVar aggregate classification (germline): Conflicting classifications of pathogenicity. Review status: criteria provided, conflicting classifications (1 of 4 stars). 2 submissions from 2 submitters: Likely pathogenic (1); Uncertain significance (1). Last evaluated 2021-09-13.

Submissions (2):

Blueprint Genetics
Classification: Uncertain significance. Last evaluated: 2021-09-13. Review status: criteria provided, single submitter. Criteria: ACMG Guidelines, 2015. Collection method: clinical testing. Allele origin: germline.

GeneDx
Classification: Likely pathogenic. Last evaluated: 2017-02-16. Review status: criteria provided, single submitter. Criteria: GeneDx Variant Classification (06012015). Collection method: clinical testing. Allele origin: germline. Affected: yes.
Comment: The H234R variant in the KCNQ4 gene has not been reported previously as a pathogenic variant, noras a benign variant, to our knowledge. The H234R variant is not observed in large population cohorts(Lek et al., 2016; 1000 Genomes Consortium et al., 2015; Exome Variant Server). The H234R variantis a conservative amino acid substitution, which is not likely to impact secondary protein structure asthese residues share similar properties. This substitution occurs at a position that is conserved acrossspecies. In silico analysis predicts this variant is probably damaging to the protein structure/function.The H234R variant is a strong candidate for a pathogenic variant however the possibility it may be a rare benign variant cannot beexcluded.

NM_004700.4(KCNQ4):c.701A>G (p.His234Arg)

Gene: KCNQ4 (potassium voltage-gated channel subfamily Q member 4; plus strand). Cytogenetic location: 1p34.2.
Variant type: single nucleotide variant.
Coding change: c.701A>G on transcript NM_004700.4 (MANE Select); coding-DNA position 701, A replaced by G.
Protein change: p.His234Arg; replaces histidine 234 with arginine.
Molecular consequence: missense variant.
Genome position (GRCh38, 1-based): chr1:40,818,673, A>G. VCF-style: chr1-40818673-A-G. GRCh37 (hg19) VCF-style: chr1-41284345-A-G.
Other names: c.701A>G, p.His234Arg (NM_172163.3); short protein forms H234R.
Identifiers: ClinVar variation 423333 (VCV000423333.3), dbSNP rs1064796365, ClinGen allele CA16617142.